The following is an entry in ClinVar:

ClinVar aggregate classification (germline): Uncertain significance (1 of 4 stars; one submission).

Allele frequency attached by ClinVar (database versions not stated): TOPMed below 0.00001.
gnomAD v4.1: 23 of 1,543,926 alleles (0.0015%); highest among the groups gnomAD compares: South Asian, 0.021%; no homozygotes.

Submission:

Labcorp Genetics (formerly Invitae), Labcorp
Classification: Uncertain significance. Last evaluated: 2022-12-07. Review status: criteria provided, single submitter. Criteria: Invitae Variant Classification Sherloc (09022015). Collection method: clinical testing. Allele origin: germline.
Comment: In summary, the available evidence is currently insufficient to determine the role of this variant in disease. Therefore, it has been classified as a Variant of Uncertain Significance. Algorithms developed to predict the effect of sequence changes on RNA splicing suggest that this variant may create or strengthen a splice site. This variant has been observed in individual(s) with hypogonadotrophic hypogonadism (Invitae). The frequency data for this variant in the population databases is considered unreliable, as metrics indicate poor data quality at this position in the gnomAD database. This sequence change falls in intron 2 of the KISS1R gene. It does not directly change the encoded amino acid sequence of the KISS1R protein.

NM_032551.5(KISS1R):c.370-12C>A

Gene: KISS1R (KISS1 receptor; plus strand). Cytogenetic location: 19p13.3.
Variant type: single nucleotide variant.
Coding change: c.370-12C>A on transcript NM_032551.5 (MANE Select); 12 bases into the intron before coding-DNA position 370, C replaced by A.
Molecular consequence: intron variant.
Genome position (GRCh38, 1-based): chr19:919,478, C>A. VCF-style: chr19-919478-C-A. GRCh37 (hg19) VCF-style: chr19-919478-C-A.
Identifiers: ClinVar variation 2976200 (VCV002976200.3), dbSNP rs769863455, ClinGen allele CA9028762.
Genomic context (GRCh38, chr19:919,478, plus strand): 5'-CAGCAGGGCGGGCGGACAGGGCAGGCTCCCAACCGCGCAGGTGGCCACACGCCCGGCTGG[C>A]GGCTCCCGCAGGTCTCGGTGCAGGCCACGTGTGCCACTCTGACCGCCATGAGTGTGGACC-3'